The following is an entry in ClinVar:

NM_020041.3(SLC2A9):c.72C>T (p.Ala24=)

Genes: SLC2A9 (solute carrier family 2 member 9; minus strand), SLC2A9-AS3 (SLC2A9 antisense RNA 3; plus strand). Cytogenetic location: 4p16.1.
Variant type: single nucleotide variant.
Coding change: c.72C>T on transcript NM_020041.3 (MANE Select); coding-DNA position 72, C replaced by T.
Protein change: p.Ala24=; no amino-acid change (alanine 24 retained).
Molecular consequence: synonymous variant. On other transcripts: intron variant (1).
Genome position (GRCh38, 1-based): chr4:10,021,358, G>A on the plus strand (C>T on the coding strand, the complement: SLC2A9 is on the minus strand). VCF-style: chr4-10021358-G-A. GRCh37 (hg19) VCF-style: chr4-10022982-G-A.
Other names: c.64-2285C>T (NM_001001290.2).
Identifiers: ClinVar variation 347007 (VCV000347007.14), dbSNP rs138916724, ClinGen allele CA2857355.

ClinVar aggregate classification (germline): Benign/Likely benign. Review status: criteria provided, multiple submitters, no conflicts (2 of 4 stars). 2 submissions from 2 submitters: Benign (1); Likely benign (1). Last evaluated 2025-06-12.

Conditions:
Hypouricemia, renal, 2. Also called: HYPOURICEMIA, RENAL, 2, AUTOSOMAL DOMINANT; HYPOURICEMIA, RENAL, 2, AUTOSOMAL RECESSIVE. Identifiers: MedGen C2677549, MONDO:0012793, OMIM 612076.

Allele frequency attached by ClinVar (database versions not stated): ESP Exome Variant Server 0.00054; TOPMed 0.00054; 1000 Genomes Project 0.00100; 1000 Genomes Project 30x 0.00109.
gnomAD v4.1: 222 of 1,614,238 alleles (0.014%); highest among the groups gnomAD compares: African/African-American, 0.23%; no homozygotes.

Submissions (2):

Labcorp Genetics (formerly Invitae), Labcorp
Classification: Likely benign. Last evaluated: 2025-06-12. Review status: criteria provided, single submitter. Criteria: Invitae Variant Classification Sherloc (09022015). Collection method: clinical testing. Allele origin: germline.

Illumina Laboratory Services, Illumina
Classification: Benign for Hypouricemia, renal, 2. Last evaluated: 2018-01-13. Review status: criteria provided, single submitter. Criteria: ICSL Variant Classification Criteria 13 December 2019. Collection method: clinical testing. Allele origin: germline.
Comment: This variant was observed in the ICSL laboratory as part of a predisposition screen in an ostensibly healthy population. It had not been previously curated by ICSL or reported in the Human Gene Mutation Database (HGMD: prior to June 1st, 2018), and was therefore a candidate for classification through an automated scoring system. Utilizing variant allele frequency, disease prevalence and penetrance estimates, and inheritance mode, an automated score was calculated to assess if this variant is too frequent to cause the disease. Based on the score and internal cut-off values, a variant classified as benign is not then subjected to further curation. The score for this variant resulted in a classification of benign for this disease.